The following is an entry in ClinVar:

ClinVar aggregate classification (germline): Uncertain significance (1 of 4 stars; one submission).

Conditions:
Inborn genetic diseases. Identifiers: MedGen C0950123, MeSH D030342.

Allele frequency attached by ClinVar (database versions not stated): gnomAD 0.00001; TOPMed 0.00001.
gnomAD v4.1: 2 of 1,613,748 alleles (0.00012%); highest among the groups gnomAD compares: Admixed American, 0.0017%; no homozygotes.

Submission:

Ambry Genetics
Classification: Uncertain significance for Inborn genetic diseases. Last evaluated: 2023-03-09. Review status: criteria provided, single submitter. Criteria: Ambry Variant Classification Scheme 2023. Collection method: clinical testing. Allele origin: germline.
Comment: The p.V2125I variant (also known as c.6373G>A), located in coding exon 38 of the ATR gene, results from a G to A substitution at nucleotide position 6373. The valine at codon 2125 is replaced by isoleucine, an amino acid with highly similar properties. This amino acid position is conserved. In addition, this alteration is predicted to be tolerated by in silico analysis. Since supporting evidence is limited at this time, the clinical significance of this alteration remains unclear.

NM_001184.4(ATR):c.6373G>A (p.Val2125Ile)

Gene: ATR (ATR checkpoint kinase; minus strand). Cytogenetic location: 3q23.
Variant type: single nucleotide variant.
Coding change: c.6373G>A on transcript NM_001184.4 (MANE Select); coding-DNA position 6373, G replaced by A.
Protein change: p.Val2125Ile; replaces valine 2125 with isoleucine.
Molecular consequence: missense variant.
Genome position (GRCh38, 1-based): chr3:142,469,516, C>T on the plus strand (G>A on the coding strand, the complement: ATR is on the minus strand). VCF-style: chr3-142469516-C-T. GRCh37 (hg19) VCF-style: chr3-142188358-C-T.
Other names: c.6181G>A, p.Val2061Ile (NM_001354579.2); short protein forms V2061I, V2125I.
Identifiers: ClinVar variation 2453608 (VCV002453608.2), dbSNP rs1341655239, ClinGen allele CA354805185.